The following is an entry in ClinVar:

NM_002485.5(NBN):c.1601A>G (p.Asn534Ser)

Gene: NBN (nibrin; minus strand). Cytogenetic location: 8q21.3.
Variant type: single nucleotide variant.
Coding change: c.1601A>G on transcript NM_002485.5 (MANE Select); coding-DNA position 1601, A replaced by G.
Protein change: p.Asn534Ser; replaces asparagine 534 with serine.
Molecular consequence: missense variant.
Genome position (GRCh38, 1-based): chr8:89,953,488, T>C on the plus strand (A>G on the coding strand, the complement: NBN is on the minus strand). VCF-style: chr8-89953488-T-C. GRCh37 (hg19) VCF-style: chr8-90965716-T-C.
Other names: c.1355A>G, p.Asn452Ser (NM_001024688.3); short protein forms N534S, N452S.
Identifiers: ClinVar variation 2089023 (VCV002089023.4), dbSNP rs2488231972, ClinGen allele CA371655506.

ClinVar aggregate classification (germline): Uncertain significance (1 of 4 stars; one submission).

Conditions:
Microcephaly, normal intelligence and immunodeficiency (NBS). Also called: Immunodeficiency, microcephaly with normal intelligence; Ataxia telangiectasia variant V1; BERLIN BREAKAGE SYNDROME; Nijmegen breakage syndrome; Microcephaly with normal intelligence immunodeficiency and lymphoreticular malignancies; Nonsyndromal microcephaly autosomal recessive with normal intelligence. Identifiers: Orphanet 647, MedGen C0398791, MONDO:0009623, OMIM 251260.

Allele frequency attached by ClinVar (database versions not stated): gnomAD exomes below 0.00001.
gnomAD v4.1: 1 of 1,613,670 alleles (0.000062%); highest among the groups gnomAD compares: Non-Finnish European, 0.000085%; no homozygotes.

Submission:

Labcorp Genetics (formerly Invitae), Labcorp
Classification: Uncertain significance for Microcephaly, normal intelligence and immunodeficiency. Last evaluated: 2022-01-22. Review status: criteria provided, single submitter. Criteria: Invitae Variant Classification Sherloc (09022015). Collection method: clinical testing. Allele origin: germline.
Comment: This sequence change replaces asparagine, which is neutral and polar, with serine, which is neutral and polar, at codon 534 of the NBN protein (p.Asn534Ser). In summary, the available evidence is currently insufficient to determine the role of this variant in disease. Therefore, it has been classified as a Variant of Uncertain Significance. RNA analysis performed to evaluate the impact of this missense change on mRNA splicing indicates it does not significantly alter splicing (Invitae). Algorithms developed to predict the effect of missense changes on protein structure and function output the following: SIFT: "Tolerated"; PolyPhen-2: "Benign"; Align-GVGD: "Class C0". The serine amino acid residue is found in multiple mammalian species, which suggests that this missense change does not adversely affect protein function. This variant has not been reported in the literature in individuals affected with NBN-related conditions. This variant is not present in population databases (gnomAD no frequency).